The following is an entry in ClinVar:

ClinVar aggregate classification (germline): Likely benign. Review status: criteria provided, multiple submitters, no conflicts (2 of 4 stars). 4 submissions from 4 submitters: Likely benign (3). 1 of the submissions does not count toward it. Last evaluated 2025-11-14.

Conditions:
AEBP1-related disorder. Also called: AEBP1-related condition.

Allele frequency attached by ClinVar (database versions not stated): 1000 Genomes Project 30x 0.00016; 1000 Genomes Project 0.00020.
gnomAD v4.1: 109 of 1,613,266 alleles (0.0068%); highest among the groups gnomAD compares: Middle Eastern, 0.033%; no homozygotes.

Submissions (4):

Women's Health and Genetics/Laboratory Corporation of America, LabCorp
Classification: Likely benign. Last evaluated: 2025-11-14. Review status: criteria provided, single submitter. Criteria: LabCorp Variant Classification Summary - May 2015. Collection method: clinical testing. Allele origin: germline.

Labcorp Genetics (formerly Invitae), Labcorp
Classification: Likely benign. Last evaluated: 2025-10-03. Review status: criteria provided, single submitter. Criteria: Invitae Variant Classification Sherloc (09022015). Collection method: clinical testing. Allele origin: germline.

CeGaT Center for Human Genetics Tuebingen
Classification: Likely benign. Last evaluated: 2022-11-01. Review status: criteria provided, single submitter. Criteria: CeGaT Center For Human Genetics Tuebingen Variant Classification Criteria Version 2. Collection method: clinical testing. Allele origin: germline. Affected: yes. Observed: 1 variant allele.
Comment: AEBP1: BP4, BP7

PreventionGenetics, part of Exact Sciences
Classification: Likely benign for AEBP1-related condition. Last evaluated: 2019-03-09. Review status: no assertion criteria provided. Collection method: clinical testing. Allele origin: germline. Not counted in ClinVar's aggregate classification.
Comment: This variant is classified as likely benign based on ACMG/AMP sequence variant interpretation guidelines (Richards et al. 2015 PMID: 25741868, with internal and published modifications).

NM_001129.5(AEBP1):c.2379G>C (p.Arg793=)

Gene: AEBP1 (AE binding protein 1; plus strand). Cytogenetic location: 7p13.
Variant type: single nucleotide variant.
Coding change: c.2379G>C on transcript NM_001129.5 (MANE Select); coding-DNA position 2379, G replaced by C.
Protein change: p.Arg793=; no amino-acid change (arginine 793 retained).
Molecular consequence: synonymous variant.
Genome position (GRCh38, 1-based): chr7:44,112,719, G>C. VCF-style: chr7-44112719-G-C. GRCh37 (hg19) VCF-style: chr7-44152318-G-C.
Other names: c.2379G>C (NM_001129.4).
Identifiers: ClinVar variation 1562717 (VCV001562717.32), dbSNP rs142028646, ClinGen allele CA4238192.